The following is an entry in ClinVar:

NM_004770.3(KCNB2):c.2497T>G (p.Cys833Gly)

Gene: KCNB2 (potassium voltage-gated channel subfamily B member 2; plus strand). Cytogenetic location: 8q21.11.
Variant type: single nucleotide variant.
Coding change: c.2497T>G on transcript NM_004770.3 (MANE Select); coding-DNA position 2497, T replaced by G.
Protein change: p.Cys833Gly; replaces cysteine 833 with glycine.
Molecular consequence: missense variant.
Genome position (GRCh38, 1-based): chr8:72,937,852, T>G. VCF-style: chr8-72937852-T-G. GRCh37 (hg19) VCF-style: chr8-73850087-T-G.
Other names: short protein forms C833G.
Identifiers: ClinVar variation 5040626 (VCV005040626.1).

ClinVar aggregate classification (germline): Uncertain significance (1 of 4 stars; one submission).

Submission:

CeGaT Center for Human Genetics Tuebingen
Classification: Uncertain significance. Last evaluated: 2026-08-01. Review status: criteria provided, single submitter. Criteria: CeGaT Center For Human Genetics Tuebingen Variant Classification Criteria Version 2. Collection method: clinical testing. Allele origin: germline. Affected: yes. Observed: 1 variant allele.
Comment: KCNB2: PM2